The following is an entry in ClinVar:

ClinVar aggregate classification (germline): Pathogenic. Review status: reviewed by expert panel (3 of 4 stars). 10 submissions from 10 submitters: Pathogenic (1). 9 of the submissions do not count toward it. Last evaluated 2016-09-08.

Conditions:
Hereditary cancer-predisposing syndrome. Also called: Tumor predisposition; Neoplastic Syndromes, Hereditary; Hereditary neoplastic syndrome; Hereditary Cancer Syndrome. Identifiers: Orphanet 140162, MedGen C0027672, MeSH D009386, MONDO:0015356.
Hereditary breast ovarian cancer syndrome. Also called: Hereditary breast and ovarian cancer; Hereditary breast and ovarian cancer syndrome (HBOC); Hereditary breast and/or ovarian cancer syndrome; Breast and ovarian cancer; Hereditary breast and ovarian cancer syndrome; BRCA1- and BRCA2-Associated Hereditary Breast and Ovarian Cancer. Identifiers: Orphanet 145, MedGen C0677776, MeSH D061325, MONDO:0003582. Disease mechanism: loss of function.
Breast-ovarian cancer, familial, susceptibility to, 2 (BROVCA2). Also called: BRCA2 Hereditary Breast and Ovarian Cancer. Identifiers: Orphanet 145, MedGen C2675520, MONDO:0012933, OMIM 612555. Disease mechanism: loss of function.

gnomAD v4.1: 1 of 1,613,758 alleles (0.000062%); highest among the groups gnomAD compares: East Asian, 0.0022%; no homozygotes.

Submissions (10):

Evidence-based Network for the Interpretation of Germline Mutant Alleles (ENIGMA)
Classification: Pathogenic for Breast-ovarian cancer, familial, susceptibility to, 2. Last evaluated: 2016-09-08. Review status: reviewed by expert panel. Criteria: ENIGMA BRCA1/2 Classification Criteria (2015). Collection method: curation. Allele origin: germline.
Comment: Variant allele predicted to encode a truncated non-functional protein.

Labcorp Genetics (formerly Invitae), Labcorp
Classification: Pathogenic for Hereditary breast ovarian cancer syndrome. Last evaluated: 2024-07-02. Review status: criteria provided, single submitter. Criteria: Invitae Variant Classification Sherloc (09022015). Collection method: clinical testing. Allele origin: germline. Not counted in ClinVar's aggregate classification.
Comment: This sequence change creates a premature translational stop signal (p.Tyr3098*) in the BRCA2 gene. It is expected to result in an absent or disrupted protein product. Loss-of-function variants in BRCA2 are known to be pathogenic (PMID: 20104584). This variant is not present in population databases (gnomAD no frequency). This premature translational stop signal has been observed in individual(s) with a personal or family history of BRCA2-related cancer (PMID: 15131399, 29446198). This variant is also known as 9522C>A. ClinVar contains an entry for this variant (Variation ID: 38228). For these reasons, this variant has been classified as Pathogenic.

Ambry Genetics
Classification: Pathogenic for Hereditary cancer-predisposing syndrome. Last evaluated: 2023-03-30. Review status: criteria provided, single submitter. Criteria: Ambry Variant Classification Scheme 2023. Collection method: clinical testing. Allele origin: germline. Not counted in ClinVar's aggregate classification.
Comment: The p.Y3098* pathogenic mutation (also known as c.9294C>A), located in coding exon 24 of the BRCA2 gene, results from a C to A substitution at nucleotide position 9294. This changes the amino acid from a tyrosine to a stop codon within coding exon 24. This mutation has been reported in serous ovarian cancer patients (Labidi-Galy SI et al. Clin. Cancer Res. 2018 Jan;24:326-333), and in several Chinese breast cancer patients (Sun J et al. Clin. Cancer Res. 2017 Oct;23:6113-6119; Wen WX et al. J. Med. Genet. 2018 Feb;55:97-103). In addition to the clinical data presented in the literature, this alteration is expected to result in loss of function by premature protein truncation or nonsense-mediated mRNA decay. As such, this alteration is interpreted as a disease-causing mutation.

Equipe Genetique des Anomalies du Developpement, Université de Bourgogne
Classification: Pathogenic for Breast-ovarian cancer, familial, susceptibility to, 2. Last evaluated: 2016-01-01. Review status: criteria provided, single submitter. Criteria: ACMG Guidelines, 2015. Collection method: clinical testing. Allele origin: inherited. Affected: yes. Not counted in ClinVar's aggregate classification.

Consortium of Investigators of Modifiers of BRCA1/2 (CIMBA), c/o University of Cambridge
Classification: Pathogenic for Breast-ovarian cancer, familial, susceptibility to, 2. Last evaluated: 2015-10-02. Review status: criteria provided, single submitter. Criteria: CIMBA Mutation Classification guidelines May 2016. Collection method: clinical testing. Allele origin: germline. Not counted in ClinVar's aggregate classification.

Neuberg Centre For Genomic Medicine, NCGM
Classification: Pathogenic for Breast-ovarian cancer, familial, susceptibility to, 2. Review status: criteria provided, single submitter. Criteria: ACMG Guidelines, 2015. Collection method: clinical testing. Allele origin: germline. Inheritance: Autosomal dominant inheritance. Affected: yes. Not counted in ClinVar's aggregate classification.
Comment: The stop gained (c.9294C>A) variant has been reported previously in patients affected with Breast-ovarian cancer, familial, 2 (Lubinski et. al., 2004; Rebbeck et. al., 2018). The c.9294C>A variant is novel (not in any individuals) in gnomAD Exomes and 1000 Genomes. This variant has been reported to the ClinVar database as Pathogenic. The nucleotide change c.9294C>A in BRCA2 is predicted as conserved by GERP++ and PhyloP across 100 vertebrates. This variant is predicted to cause loss of normal protein function through protein truncation. Loss-of-function variants in BRCA2 are known to be pathogenic (Borg et. al., 2010). For these reasons, this variant has been classified as Pathogenic.

Counsyl
Classification: Pathogenic for Breast-ovarian cancer, familial, susceptibility to, 2. Last evaluated: 2018-04-16. Review status: no assertion criteria provided. Collection method: clinical testing. Allele origin: unknown. Not counted in ClinVar's aggregate classification.

Research Molecular Genetics Laboratory, Women's College Hospital, University of Toronto
Classification: Pathogenic for Hereditary breast ovarian cancer syndrome. Last evaluated: 2014-01-31. Review status: no assertion criteria provided. Collection method: research. Allele origin: germline. Affected: yes. Study: The Canadian Open Genetics Repository (COGR). Not counted in ClinVar's aggregate classification.

Sharing Clinical Reports Project (SCRP)
Classification: Pathogenic for Breast-ovarian cancer, familial 2. Last evaluated: 2011-10-25. Review status: no assertion criteria provided. Collection method: clinical testing. Allele origin: germline. Not counted in ClinVar's aggregate classification.

Breast Cancer Information Core (BIC) (BRCA2)
Classification: Pathogenic for Breast-ovarian cancer, familial 2. Last evaluated: 2002-05-29. Review status: no assertion criteria provided. Collection method: clinical testing. Allele origin: germline. Affected: yes. Observed: 1 variant allele. Not counted in ClinVar's aggregate classification.

Literature cited by the submitters: PubMed 20104584 (cited by Labcorp Genetics (formerly Invitae), Labcorp); PubMed 15131399 (cited by Labcorp Genetics (formerly Invitae), Labcorp and Ambry Genetics); PubMed 29446198 (cited by Labcorp Genetics (formerly Invitae), Labcorp); PubMed 28724667 (cited by Ambry Genetics); PubMed 28993434 (cited by Ambry Genetics); PubMed 29084914 (cited by Ambry Genetics); PubMed 9667259 (cited by Counsyl); PubMed 15887246 (cited by Counsyl).

NM_000059.4(BRCA2):c.9294C>A (p.Tyr3098Ter)

Gene: BRCA2 (BRCA2 DNA repair associated; plus strand). Cytogenetic location: 13q13.1.
Variant type: single nucleotide variant.
Coding change: c.9294C>A on transcript NM_000059.4 (MANE Select); coding-DNA position 9294, C replaced by A.
Protein change: p.Tyr3098Ter; replaces tyrosine 3098 with a stop codon.
Molecular consequence: nonsense.
Genome position (GRCh38, 1-based): chr13:32,394,726, C>A. VCF-style: chr13-32394726-C-A. GRCh37 (hg19) VCF-style: chr13-32968863-C-A.
Other names: 9522C>A; short protein forms Y3098*.
Identifiers: ClinVar variation 38228 (VCV000038228.19), dbSNP rs80359200, ClinGen allele CA026093.